The following is an entry in ClinVar:

ClinVar aggregate classification (germline): Likely benign (1 of 4 stars; one submission).

Submission:

GeneDx
Classification: Likely benign. Last evaluated: 2017-03-20. Review status: criteria provided, single submitter. Criteria: GeneDx Variant Classification (06012015). Collection method: clinical testing. Allele origin: germline. Affected: yes.
Comment: This variant is considered likely benign or benign based on one or more of the following criteria: it is a conservative change, it occurs at a poorly conserved position in the protein, it is predicted to be benign by multiple in silico algorithms, and/or has population frequency not consistent with disease.

NM_000548.5(TSC2):c.5069-26_5069-6delinsGCCAAGAG

Gene: TSC2 (TSC complex subunit 2; plus strand). Cytogenetic location: 16p13.3.
Variant type: Indel.
Coding change: c.5069-26_5069-6delinsGCCAAGAG on transcript NM_000548.5 (MANE Select); 26 bases into the intron before coding-DNA position 5069 through 6 bases into the intron before coding-DNA position 5069, CTGGCGTGACCACCAAGTCTC replaced by GCCAAGAG.
Molecular consequence: intron variant.
Genome position (GRCh38, 1-based): chr16:2,088,022-2,088,042, CTGGCGTGACCACCAAGTCTC replaced by GCCAAGAG. VCF-style: chr16-2088022-CTGGCGTGACCACCAAGTCTC-GCCAAGAG. GRCh37 (hg19) VCF-style: chr16-2138023-CTGGCGTGACCACCAAGTCTC-GCCAAGAG.
Other names: c.5000-26_5000-6delinsGCCAAGAG (NM_001114382.3); c.4940-26_4940-6delinsGCCAAGAG (NM_021055.3, NM_001370405.1); c.4871-26_4871-6delinsGCCAAGAG (NM_001363528.2); c.4937-26_4937-6delinsGCCAAGAG (NM_001370404.1); c.4868-26_4868-6delinsGCCAAGAG (NM_001077183.3); c.4760-26_4760-6delinsGCCAAGAG (NM_001318827.2); c.4337-26_4337-6delinsGCCAAGAG (NM_001318831.2); c.4724-26_4724-6delinsGCCAAGAG (NM_001318829.2); and 1 more.
Identifiers: ClinVar variation 508397 (VCV000508397.1), dbSNP rs1555439968, ClinGen allele CA658798496.